The following is an entry in ClinVar:

NM_020975.6(RET):c.1642G>A (p.Gly548Ser)

Gene: RET (ret proto-oncogene; plus strand). Cytogenetic location: 10q11.21.
Variant type: single nucleotide variant.
Coding change: c.1642G>A on transcript NM_020975.6 (MANE Select); coding-DNA position 1642, G replaced by A.
Protein change: p.Gly548Ser; replaces glycine 548 with serine.
Molecular consequence: missense variant.
Genome position (GRCh38, 1-based): chr10:43,112,218, G>A. VCF-style: chr10-43112218-G-A. GRCh37 (hg19) VCF-style: chr10-43607666-G-A.
Other names: c.1513G>A, p.Gly505Ser (NM_001406764.1, NM_001406768.1, NM_001406761.1 and 1 more transcripts); c.1642G>A, p.Gly548Ser (NM_001406765.1, NM_000323.2, NM_001406743.1 and 6 more transcripts); c.1354G>A, p.Gly452Ser (NM_001406766.1, NM_001406767.1, NM_001406770.1); c.1246G>A, p.Gly416Ser (NM_001406769.1, NM_001406772.1); c.1204G>A, p.Gly402Ser (NM_001406771.1, NM_001406773.1); c.880G>A, p.Gly294Ser (NM_001355216.2); c.1117G>A, p.Gly373Ser (NM_001406774.1); c.916G>A, p.Gly306Ser (NM_001406775.1, NM_001406776.1, NM_001406777.1 and 1 more transcripts); and 5 more; short protein forms G548S, G294S, G306S, G505S, G65S, G218S, G249S, G373S.
Identifiers: ClinVar variation 136102 (VCV000136102.30), dbSNP rs374461212, ClinGen allele CA007695.
Genomic context (GRCh38, chr10:43,112,218, plus strand): 5'-TGTGAGGAGTGTGGCGGCCTGGGCTCCCCAACAGGCAGGTGTGAGTGGAGGCAAGGAGAT[G>A]GCAAAGGTAAGCCCTGGAAACGCCCAAGGGAGGCCTGCAGGGGCGATGGCACCGGTGGAA-3'
Protein context (NP_066124.1, residues 538-558): TGRCEWRQGD[Gly548Ser]KGITRNFSTC

ClinVar aggregate classification (germline): Conflicting classifications of pathogenicity. Review status: criteria provided, conflicting classifications (1 of 4 stars). 12 submissions from 12 submitters: Uncertain significance (9); Likely benign (2). 1 of the submissions does not count toward it. Last evaluated 2025-09-23.

Conditions:
Pheochromocytoma. Also called: MAX-Related Hereditary Paraganglioma-Pheochromocytoma Syndrome. Identifiers: Orphanet 29072, MedGen C0031511, MONDO:0008233, OMIM 171300, HP:0002666.
Hirschsprung disease, susceptibility to, 1 (HSCR1). Also called: RET-Related Hirschsprung Disease. Identifiers: Orphanet 388, MedGen C3888239, MONDO:0007723, OMIM 142623.
Familial medullary thyroid carcinoma (MTC). Also called: Thyroid cancer, familial medullary; MTC, familial; Familial Medullary Thyroid Carcinoma (FMTC). Identifiers: Orphanet 653, Orphanet 99361, MedGen C1833921, MONDO:0007958, OMIM 155240.
Multiple endocrine neoplasia type 2B. Also called: MEN IIB; NEUROMATA, MUCOSAL, WITH ENDOCRINE TUMORS; WAGENMANN-FROBOESE SYNDROME; MULTIPLE ENDOCRINE NEOPLASIA, TYPE III; MULTIPLE ENDOCRINE NEOPLASIA, TYPE IIB; MEN 2B. Identifiers: Orphanet 247709, Orphanet 653, MedGen C0025269, MeSH D018814, MONDO:0008082, OMIM 162300.
Multiple endocrine neoplasia type 2A. Also called: Multiple Endocrine Neoplasia Type 2A (MEN2A); MULTIPLE ENDOCRINE NEOPLASIA, TYPE IIA; PTC SYNDROME; SIPPLE SYNDROME; MEN 2A; MEN-2A syndrome. Identifiers: Orphanet 247698, Orphanet 653, MedGen C0025268, MeSH D018813, MONDO:0008234, OMIM 171400.
RET-related disorder. Also called: RET-related disorders; RET-related condition; RET-related disease.
Hereditary cancer-predisposing syndrome. Also called: Tumor predisposition; Hereditary neoplastic syndrome; Hereditary Cancer Syndrome; Neoplastic Syndromes, Hereditary. Identifiers: Orphanet 140162, MedGen C0027672, MeSH D009386, MONDO:0015356.
Multiple endocrine neoplasia, type 2 (MEN2). Identifiers: Orphanet 653, MedGen C4048306, MONDO:0019003. Disease mechanism: gain of function.

Allele frequency attached by ClinVar (database versions not stated): gnomAD exomes 0.00003 and 0.00001; ExAC 0.00005; gnomAD 0.00011; TOPMed 0.00013; ESP Exome Variant Server 0.00023.
gnomAD v4.1: 23 of 1,554,064 alleles (0.0015%); highest among the groups gnomAD compares: African/African-American, 0.027%; no homozygotes.

Submissions (12):

PreventionGenetics, part of Exact Sciences
Classification: Uncertain significance for RET-related condition. Last evaluated: 2025-09-23. Review status: criteria provided, single submitter. Criteria: ACMG Guidelines, 2015. Collection method: clinical testing. Allele origin: germline.
Comment: The RET c.1642G>A variant is predicted to result in the amino acid substitution p.Gly548Ser. This variant has been reported as a variant of uncertain significance in two patients with multiple endocrine neoplasia type 2 (Lebeault et al. 2017. PubMed ID: 28946813; Larsen et al. 2020. PubMed ID: 32375120). This variant is reported in 0.034% of alleles in individuals of African descent in gnomAD, which may be too common to be a primary cause of disease. This variant is interpreted as uncertain by the vast majority of submitters in ClinVar (Variation ID: 136102). Although we suspect this variant may be benign, at this time, the clinical significance of this variant is uncertain due to the absence of conclusive functional and genetic evidence.

Labcorp Genetics (formerly Invitae), Labcorp
Classification: Uncertain significance for Multiple endocrine neoplasia, type 2. Last evaluated: 2024-12-09. Review status: criteria provided, single submitter. Criteria: Invitae Variant Classification Sherloc (09022015). Collection method: clinical testing. Allele origin: germline.
Comment: This sequence change replaces glycine, which is neutral and non-polar, with serine, which is neutral and polar, at codon 548 of the RET protein (p.Gly548Ser). This variant is present in population databases (rs374461212, gnomAD 0.04%). This missense change has been observed in individual(s) with clinical features of multiple endocrine neoplasia type 2 (PMID: 28946813, 32375120). ClinVar contains an entry for this variant (Variation ID: 136102). An algorithm developed to predict the effect of missense changes on protein structure and function (PolyPhen-2) suggests that this variant is likely to be disruptive. In summary, the available evidence is currently insufficient to determine the role of this variant in disease. Therefore, it has been classified as a Variant of Uncertain Significance.

Myriad Genetics, Inc.
Classification: Likely benign for Multiple endocrine neoplasia type 2A. Last evaluated: 2024-08-08. Review status: criteria provided, single submitter. Criteria: Myriad Autosomal Dominant, Autosomal Recessive and X-Linked Classification Criteria (2023). Collection method: clinical testing. Allele origin: unknown.
Comment: This variant is considered likely benign. This variant has been observed at a population frequency that is significantly greater than expected given the associated disease prevalence and penetrance.

GeneDx
Classification: Uncertain significance. Last evaluated: 2024-07-09. Review status: criteria provided, single submitter. Criteria: GeneDx Variant Classification Process June 2021. Collection method: clinical testing. Allele origin: germline. Affected: yes.
Comment: In silico analysis indicates that this missense variant does not alter protein structure/function; Observed in individuals with RET-related cancers (PMID: 28946813); This variant is associated with the following publications: (PMID: 31288802, 32375120, 14633923, 28946813)

Color Diagnostics, LLC DBA Color Health
Classification: Uncertain significance for Multiple endocrine neoplasia, type 2. Last evaluated: 2024-05-23. Review status: criteria provided, single submitter. Criteria: ACMG Guidelines, 2015. Collection method: clinical testing. Allele origin: germline.
Comment: This missense variant replaces glycine with serine at codon 548 of the RET protein. Computational prediction suggests that this variant may not impact protein structure and function. To our knowledge, functional studies have not been reported for this variant. This variant has been reported in at least two individuals diagnosed with MEN2A or affected with medullary thyroid cancer and pheochromocytoma (PMID: 28946813, 32375120). This variant has been identified in 8/190186 chromosomes in the general population by the Genome Aggregation Database (gnomAD). The available evidence is insufficient to determine the role of this variant in disease conclusively. Therefore, this variant is classified as a Variant of Uncertain Significance.

Quest Diagnostics Nichols Institute San Juan Capistrano
Classification: Uncertain significance. Last evaluated: 2024-01-19. Review status: criteria provided, single submitter. Criteria: Quest Diagnostics criteria. Collection method: clinical testing. Allele origin: unknown.

Baylor Genetics
Classification: Uncertain significance for Hirschsprung disease, susceptibility to, 1. Last evaluated: 2023-12-27. Review status: criteria provided, single submitter. Criteria: ACMG Guidelines, 2015. Collection method: clinical testing. Allele origin: unknown.

Ambry Genetics
Classification: Likely benign for Hereditary cancer-predisposing syndrome. Last evaluated: 2022-06-07. Review status: criteria provided, single submitter. Criteria: Ambry Variant Classification Scheme 2023. Collection method: clinical testing. Allele origin: germline.

Fulgent Genetics
Classification: Uncertain significance for Hirschsprung disease, susceptibility to, 1; Familial medullary thyroid carcinoma; Multiple endocrine neoplasia type 2B; Pheochromocytoma; Multiple endocrine neoplasia type 2A. Last evaluated: 2021-11-19. Review status: criteria provided, single submitter. Criteria: ACMG Guidelines, 2015. Collection method: clinical testing. Allele origin: unknown.

Sema4
Classification: Uncertain significance for Hereditary cancer-predisposing syndrome. Last evaluated: 2021-10-14. Review status: criteria provided, single submitter. Criteria: Sema4 Curation Guidelines. Collection method: curation. Allele origin: germline.
Comment: The RET c.1642G>A (p.G548S) variant has been reported in heterozygosity in individuals with clinical diagnoses of Multiple Endocrine Neoplasia Type 2 (MEN2A) and those with medullary thyroid cancer and/or pheochromocytomas (PMID: 32375120, 28946813). It was observed in 6/17684 chromosomes of the African/African American subpopulation in the large and broad cohorts of the Genome Aggregation Database (PMID: 32461654). The variant has been reported in ClinVar (Variation ID 136102). Functional studies have not been performed, and in silico predictions of the variant's effect on protein function are inconclusive. The evidence is insufficient to meet ACMG/AMP criteria for classifying the variant as benign or pathogenic. Thus, the clinical significance of this variant is currently uncertain.

Mendelics
Classification: Uncertain significance for Multiple endocrine neoplasia, type 2a. Last evaluated: 2018-07-02. Review status: criteria provided, single submitter. Criteria: Mendelics Assertion Criteria 2017. Collection method: clinical testing. Allele origin: unknown.

Counsyl
Classification: Uncertain significance for Multiple endocrine neoplasia type 2A. Last evaluated: 2017-01-05. Review status: no assertion criteria provided. Collection method: clinical testing. Allele origin: unknown. Not counted in ClinVar's aggregate classification.

Literature cited by the submitters: PubMed 28946813 (cited by 5 submitters); PubMed 32375120 (cited by 4 submitters).